The following is an entry in ClinVar:

NM_001110556.2(FLNA):c.4403C>G (p.Pro1468Arg)

Gene: FLNA (filamin A; minus strand). Cytogenetic location: Xq28.
Variant type: single nucleotide variant.
Coding change: c.4403C>G on transcript NM_001110556.2 (MANE Select); coding-DNA position 4403, C replaced by G.
Protein change: p.Pro1468Arg; replaces proline 1468 with arginine.
Molecular consequence: missense variant.
Genome position (GRCh38, 1-based): chrX:154,359,055, G>C on the plus strand (C>G on the coding strand, the complement: FLNA is on the minus strand). VCF-style: chrX-154359055-G-C. GRCh37 (hg19) VCF-style: chrX-153587423-G-C.
Other names: c.4403C>G, p.Pro1468Arg (NM_001456.4); short protein forms P1468R.
Identifiers: ClinVar variation 2575641 (VCV002575641.2), dbSNP rs2067683771, ClinGen allele CA415216652.

ClinVar aggregate classification (germline): Uncertain significance (1 of 4 stars; one submission).

Submission:

GeneDx
Classification: Uncertain significance. Last evaluated: 2025-04-02. Review status: criteria provided, single submitter. Criteria: GeneDx Variant Classification Process June 2021. Collection method: clinical testing. Allele origin: germline. Affected: yes.
Comment: Not observed at significant frequency in large population cohorts (gnomAD); In silico analysis supports that this missense variant has a deleterious effect on protein structure/function; Has not been previously published as pathogenic or benign to our knowledge